The following is an entry in ClinVar:

ClinVar aggregate classification (germline): Uncertain significance (1 of 4 stars; one submission).

Allele frequency attached by ClinVar (database versions not stated): gnomAD 0.00001; ExAC 0.00002.
gnomAD v4.1: 20 of 1,613,054 alleles (0.0012%); highest among the groups gnomAD compares: Admixed American, 0.0067%; no homozygotes.

Submission:

Labcorp Genetics (formerly Invitae), Labcorp
Classification: Uncertain significance. Last evaluated: 2024-03-15. Review status: criteria provided, single submitter. Criteria: Invitae Variant Classification Sherloc (09022015). Collection method: clinical testing. Allele origin: germline.
Comment: This sequence change replaces arginine, which is basic and polar, with histidine, which is basic and polar, at codon 314 of the FBN3 protein (p.Arg314His). This variant is present in population databases (rs767575799, gnomAD 0.005%). This variant has not been reported in the literature in individuals affected with FBN3-related conditions. Advanced modeling of protein sequence and biophysical properties (such as structural, functional, and spatial information, amino acid conservation, physicochemical variation, residue mobility, and thermodynamic stability) performed at Invitae indicates that this missense variant is not expected to disrupt FBN3 protein function with a negative predictive value of 80%. In summary, the available evidence is currently insufficient to determine the role of this variant in disease. Therefore, it has been classified as a Variant of Uncertain Significance.

NM_032447.5(FBN3):c.941G>A (p.Arg314His)

Gene: FBN3 (fibrillin 3; minus strand). Cytogenetic location: 19p13.2.
Variant type: single nucleotide variant.
Coding change: c.941G>A on transcript NM_032447.5 (MANE Select); coding-DNA position 941, G replaced by A.
Protein change: p.Arg314His; replaces arginine 314 with histidine.
Molecular consequence: missense variant.
Genome position (GRCh38, 1-based): chr19:8,138,489, C>T on the plus strand (G>A on the coding strand, the complement: FBN3 is on the minus strand). VCF-style: chr19-8138489-C-T. GRCh37 (hg19) VCF-style: chr19-8203373-C-T.
Other names: c.941G>A, p.Arg314His (NM_001321431.2); short protein forms R314H.
Identifiers: ClinVar variation 2890798 (VCV002890798.3), dbSNP rs767575799, ClinGen allele CA9153531.
Genomic context (GRCh38, chr19:8,138,489, plus strand): 5'-CACAGCTCAGGGACCGGGCCAGCTGCCCAGCACCTGCCCCTGTCACAGCAGCACTGCCTG[C>T]GAGTGTAGTGGCCGGCGAGGTCTCCAGCACAGCGGCCCCCGAAAAGCACTGAGAAGCAGG-3'
Protein context (NP_115823.3, residues 304-324): CAGDLAGHYT[Arg314His]RQCCCDRGRC